The following is an entry in ClinVar:

ClinVar aggregate classification (germline): Likely benign (1 of 4 stars; one submission).

Allele frequency attached by ClinVar (database versions not stated): gnomAD 0.01041 and 0.01115; TOPMed 0.01128; 1000 Genomes Project 0.01198; 1000 Genomes Project 30x 0.01218.

Submission:

GeneDx
Classification: Likely benign. Last evaluated: 2018-06-16. Review status: criteria provided, single submitter. Criteria: GeneDx Variant Classification (06012015). Collection method: clinical testing. Allele origin: germline. Affected: yes.
Comment: This variant is considered likely benign or benign based on one or more of the following criteria: it is a conservative change, it occurs at a poorly conserved position in the protein, it is predicted to be benign by multiple in silico algorithms, and/or has population frequency not consistent with disease.

NM_012414.4(RAB3GAP2):c.2577+266G>A

Gene: RAB3GAP2 (RAB3 GTPase activating non-catalytic protein subunit 2; minus strand). Cytogenetic location: 1q41.
Variant type: single nucleotide variant.
Coding change: c.2577+266G>A on transcript NM_012414.4 (MANE Select); 266 bases into the intron after coding-DNA position 2577, G replaced by A.
Molecular consequence: intron variant.
Genome position (GRCh38, 1-based): chr1:220,171,623, C>T on the plus strand (G>A on the coding strand, the complement: RAB3GAP2 is on the minus strand). VCF-style: chr1-220171623-C-T. GRCh37 (hg19) VCF-style: chr1-220344965-C-T.
Identifiers: ClinVar variation 673861 (VCV000673861.1), dbSNP rs2577129, ClinGen allele CA37553770.